The following is an entry in ClinVar:

ClinVar aggregate classification (germline): Likely benign (0 of 4 stars; one submission).

Conditions:
GRK1-related disorder. Also called: GRK1-related condition.

gnomAD v4.1: 1 of 1,536,804 alleles (0.000065%); highest among the groups gnomAD compares: South Asian, 0.0012%; no homozygotes.

Submission:

PreventionGenetics, part of Exact Sciences
Classification: Likely benign for GRK1-related condition. Last evaluated: 2019-05-30. Review status: no assertion criteria provided. Collection method: clinical testing. Allele origin: germline.
Comment: This variant is classified as likely benign based on ACMG/AMP sequence variant interpretation guidelines (Richards et al. 2015 PMID: 25741868, with internal and published modifications).

NM_002929.3(GRK1):c.1194+7G>A

Gene: GRK1 (G protein-coupled receptor kinase 1; plus strand). Cytogenetic location: 13q34.
Variant type: single nucleotide variant.
Coding change: c.1194+7G>A on transcript NM_002929.3 (MANE Select); 7 bases into the intron after coding-DNA position 1194, G replaced by A.
Molecular consequence: intron variant.
Genome position (GRCh38, 1-based): chr13:113,731,350, G>A. VCF-style: chr13-113731350-G-A. GRCh37 (hg19) VCF-style: chr13-114434323-G-A.
Identifiers: ClinVar variation 3044080 (VCV003044080.2), dbSNP rs2502626854, ClinGen allele CA2623870498.
Genomic context (GRCh38, chr13:113,731,350, plus strand): 5'-ACCCTGTATGAGATGATTGCGGCCAGAGGACCCTTCCGAGCCCGTGGAGAGAAGGTAGGA[G>A]GCGGCCGGCAGGTGTCTCTGCAGCCACCTTGGCGCCCTGGCTCTCGATGGGGACGGGGCA-3'